The following is an entry in ClinVar:

ClinVar aggregate classification (germline): Uncertain significance (1 of 4 stars; one submission).

Conditions:
Hereditary cancer-predisposing syndrome. Also called: Neoplastic Syndromes, Hereditary; Hereditary neoplastic syndrome; Tumor predisposition; Hereditary Cancer Syndrome. Identifiers: Orphanet 140162, MedGen C0027672, MeSH D009386, MONDO:0015356.

Submission:

Ambry Genetics
Classification: Uncertain significance for Hereditary cancer-predisposing syndrome. Last evaluated: 2026-01-25. Review status: criteria provided, single submitter. Criteria: Ambry Variant Classification Scheme 2023. Collection method: clinical testing. Allele origin: germline.
Comment: The p.E1343K variant (also known as c.4027G>A), located in coding exon 33 of the TSC2 gene, results from a G to A substitution at nucleotide position 4027. The glutamic acid at codon 1343 is replaced by lysine, an amino acid with similar properties. This amino acid position is conserved. In addition, the in silico prediction for this alteration is inconclusive. Based on the available evidence, the clinical significance of this variant remains unclear.

NM_000548.5(TSC2):c.4027G>A (p.Glu1343Lys)

Gene: TSC2 (TSC complex subunit 2; plus strand). Cytogenetic location: 16p13.3.
Variant type: single nucleotide variant.
Coding change: c.4027G>A on transcript NM_000548.5 (MANE Select); coding-DNA position 4027, G replaced by A.
Protein change: p.Glu1343Lys; replaces glutamic acid 1343 with lysine.
Molecular consequence: missense variant. On other transcripts: non-coding transcript variant (5).
Genome position (GRCh38, 1-based): chr16:2,084,249, G>A. VCF-style: chr16-2084249-G-A. GRCh37 (hg19) VCF-style: chr16-2134250-G-A.
Other names: c.3826G>A, p.Glu1276Lys (NM_001077183.3); c.3958G>A, p.Glu1320Lys (NM_001114382.3); c.3718G>A, p.Glu1240Lys (NM_001318827.2); c.3682G>A, p.Glu1228Lys (NM_001318829.2); c.3847G>A, p.Glu1283Lys (NM_001406670.1); c.3817G>A, p.Glu1273Lys (NM_001406671.1); c.3814G>A, p.Glu1272Lys (NM_001406673.1); c.3811G>A, p.Glu1271Lys (NM_001406675.1); and 26 more; short protein forms E1143K, E1273K, E1283K, E1300K, E1306K, E1319K, E852K, E1099K.
Identifiers: ClinVar variation 4823961 (VCV004823961.1).
Genomic context (GRCh38, chr16:2,084,249, plus strand): 5'-CCTGCTGACAGGGGTTCTCTTTGGGATGGTCCTTTCTAGTCGTCCTCAGTCTCCAGCCAG[G>A]AGGAGAAGTCGCTCCACGCGGAGGAGCTGGTTGGCAGGGGCATCCCCATCGAGCGAGTCG-3'
Protein context (NP_000539.2, residues 1333-1353): YSRSSSVSSQ[Glu1343Lys]EKSLHAEELV